The following is an entry in ClinVar:

NM_001267550.2(TTN):c.105629AAG[1] (p.Glu35211del)

Genes: TTN-AS1 (TTN antisense RNA 1; plus strand), TTN (titin; minus strand), LOC129935183 (ATAC-STARR-seq lymphoblastoid active region 16808; plus strand). Cytogenetic location: 2q31.2.
Variant type: Microsatellite.
Coding change: c.105629AAG[1] on transcript NM_001267550.2 (MANE Select); one copy of the 3-base unit AAG starting at c.105629; the reference has two copies in a row; one copy, 3 bases deleted.
Protein change: p.Glu35211del; deletes glutamic acid 35211.
Molecular consequence: inframe deletion.
Genome position (GRCh38, 1-based): chr2:178,530,981-178,530,983, CTT deleted on the plus strand (AAG on the coding strand, the reverse complement: TTN is on the minus strand); deleting any 3 consecutive bases within chr2:178,530,981-178,530,986 gives the same sequence; the position shown is the placement nearest the transcript's 3' end. VCF-style (leftmost placement, unchanged base first): chr2-178530980-GCTT-G. GRCh37 (hg19) VCF-style: chr2-179395707-GCTT-G.
Other names: c.78437_78439delAAG (NM_003319.4); c.100706AAG[1], p.Glu33570del (NM_001256850.1); c.78434AAG[1], p.Glu26146del (NM_003319.4); c.97925AAG[1], p.Glu32643del (NM_133378.4); c.78809AAG[1], p.Glu26271del (NM_133432.3); c.79010AAG[1], p.Glu26338del (NM_133437.4); short protein forms E33570del, E26146del, E32643del, E26271del, E26338del, E35211del.
Identifiers: ClinVar variation 1760867 (VCV001760867.6), dbSNP rs1325672338, ClinGen allele CA761285314.
Genomic context (GRCh38, chr2:178,530,980, plus strand): 5'-GGTGGTGATGTCACAGCCTTTTCAGTTACCCTGGCCTTTTGAATAGTCAGAGTGAACTCT[GCTT>G]CTTGTTTCCCTTCACTGTTTTCTACCACCACGCTGTAATTGCCCTCATCGGAAGCCTGGA-3'

ClinVar aggregate classification (germline): Uncertain significance. Review status: criteria provided, multiple submitters, no conflicts (2 of 4 stars). 2 submissions from 2 submitters: Uncertain significance (2). Last evaluated 2025-04-09.

Conditions:
Autosomal recessive limb-girdle muscular dystrophy type 2J (LGMDR10). Also called: Limb-girdle muscular dystrophy, type 2J; MUSCULAR DYSTROPHY, LIMB-GIRDLE, AUTOSOMAL RECESSIVE 10. Identifiers: Orphanet 140922, MedGen C1837342, MONDO:0012127, OMIM 608807.
Dilated cardiomyopathy 1G (CMD1G). Identifiers: Orphanet 154, MedGen C1858763, MONDO:0011400, OMIM 604145.
Cardiovascular phenotype. Identifiers: MedGen CN230736.

Submissions (2):

Labcorp Genetics (formerly Invitae), Labcorp
Classification: Uncertain significance for Dilated cardiomyopathy 1G; Autosomal recessive limb-girdle muscular dystrophy type 2J. Last evaluated: 2025-04-09. Review status: criteria provided, single submitter. Criteria: Invitae Variant Classification Sherloc (09022015). Collection method: clinical testing. Allele origin: germline.
Comment: This variant, c.105632_105634del, results in the deletion of 1 amino acid(s) of the TTN protein (p.Glu35211del), but otherwise preserves the integrity of the reading frame. This variant is not present in population databases (gnomAD no frequency). This variant has not been reported in the literature in individuals affected with TTN-related conditions. Experimental studies and prediction algorithms are not available or were not evaluated, and the functional significance of this variant is currently unknown. This variant is located in the M band of TTN (PMID: 25589632). Non-truncating variants in this region may be relevant for neuromuscular disorders, but have not been definitively shown to cause cardiomyopathy (PMID: 23975875). In summary, the available evidence is currently insufficient to determine the role of this variant in disease. Therefore, it has been classified as a Variant of Uncertain Significance.

Ambry Genetics
Classification: Uncertain significance for Cardiovascular phenotype. Last evaluated: 2024-04-19. Review status: criteria provided, single submitter. Criteria: Ambry Variant Classification Scheme 2023. Collection method: clinical testing. Allele origin: germline.
Comment: The c.78437_78439delAAG variant (also known as p.E26146del) is located in coding exon 185 of the TTN gene. This variant results from an in-frame AAG deletion at nucleotide positions 78437 to 78439. This results in the in-frame deletion of a glutamic acid at codon 26146. This amino acid position is highly conserved in available vertebrate species. In addition, this alteration is predicted to be deleterious by in silico analysis (Choi Y et al. PLoS ONE. 2012; 7(10):e46688). Since supporting evidence is limited at this time, the clinical significance of this alteration remains unclear.

Literature cited by the submitters: PubMed 25589632 (cited by Labcorp Genetics (formerly Invitae), Labcorp); PubMed 23975875 (cited by Labcorp Genetics (formerly Invitae), Labcorp).